The following is an entry in ClinVar:

ClinVar aggregate classification (germline): Benign/Likely benign. Review status: criteria provided, multiple submitters, no conflicts (2 of 4 stars). 2 submissions from 2 submitters: Benign (1); Likely benign (1). Last evaluated 2025-07-04.

Conditions:
Juvenile polyposis/hereditary hemorrhagic telangiectasia syndrome (JPHT). Also called: JP/HHT SYNDROME; JUVENILE POLYPOSIS WITH HEREDITARY HEMORRHAGIC TELANGIECTASIA; POLYPOSIS, GENERALIZED JUVENILE, WITH PULMONARY ARTERIOVENOUS MALFORMATION; TELANGIECTASIA, HEREDITARY HEMORRHAGIC, WITH JUVENILE POLYPOSIS COLI; Juvenile Polyposis Syndrome / Hereditary Hemorrhagic Telangiectasia (JPS/HHT). Identifiers: Orphanet 2929, MedGen C1832942, MONDO:0008278, OMIM 175050.
Familial thoracic aortic aneurysm and aortic dissection (TAAD). Also called: Thoracic aortic aneurysms and dissections. Identifiers: Orphanet 91387, MedGen C4707243, MONDO:0019625.
Hereditary cancer-predisposing syndrome. Also called: Neoplastic Syndromes, Hereditary; Tumor predisposition; Hereditary neoplastic syndrome; Hereditary Cancer Syndrome. Identifiers: Orphanet 140162, MedGen C0027672, MeSH D009386, MONDO:0015356.

Submissions (2):

Ambry Genetics
Classification: Likely benign for Hereditary cancer-predisposing syndrome; Familial thoracic aortic aneurysm and aortic dissection. Last evaluated: 2025-07-04. Review status: criteria provided, single submitter. Criteria: Ambry Variant Classification Scheme 2023. Collection method: clinical testing. Allele origin: germline.

Myriad Genetics, Inc.
Classification: Benign for Juvenile polyposis/hereditary hemorrhagic telangiectasia syndrome. Last evaluated: 2025-03-21. Review status: criteria provided, single submitter. Criteria: Myriad Autosomal Dominant, Autosomal Recessive and X-Linked Classification Criteria (2023). Collection method: clinical testing. Allele origin: unknown.
Comment: This variant is considered benign. This variant is a silent/synonymous amino acid change and it is not expected to impact splicing.

NM_005359.6(SMAD4):c.1275T>A (p.Ala425=)

Gene: SMAD4 (SMAD family member 4; plus strand). Cytogenetic location: 18q21.2.
Variant type: single nucleotide variant.
Coding change: c.1275T>A on transcript NM_005359.6 (MANE Select); coding-DNA position 1275, T replaced by A.
Protein change: p.Ala425=; no amino-acid change (alanine 425 retained).
Molecular consequence: synonymous variant. On other transcripts: non-coding transcript variant (1).
Genome position (GRCh38, 1-based): chr18:51,067,154, T>A. VCF-style: chr18-51067154-T-A. GRCh37 (hg19) VCF-style: chr18-48593524-T-A.
Other names: c.1275T>A, p.Ala425= (NM_001407041.1, NM_001407042.1).
Identifiers: ClinVar variation 3903486 (VCV003903486.2).